The following is an entry in ClinVar:

NM_133259.4(LRPPRC):c.1723C>T (p.Arg575Ter)

Gene: LRPPRC (leucine rich pentatricopeptide repeat containing; minus strand). Cytogenetic location: 2p21.
Variant type: single nucleotide variant.
Coding change: c.1723C>T on transcript NM_133259.4 (MANE Select); coding-DNA position 1723, C replaced by T.
Protein change: p.Arg575Ter; replaces arginine 575 with a stop codon.
Molecular consequence: nonsense.
Genome position (GRCh38, 1-based): chr2:43,949,614, G>A on the plus strand (C>T on the coding strand, the complement: LRPPRC is on the minus strand). VCF-style: chr2-43949614-G-A. GRCh37 (hg19) VCF-style: chr2-44176753-G-A.
Other names: short protein forms R575*.
Identifiers: ClinVar variation 554351 (VCV000554351.13), dbSNP rs774934005, ClinGen allele CA1638796.

ClinVar aggregate classification (germline): Pathogenic/Likely pathogenic. Review status: criteria provided, multiple submitters, no conflicts (2 of 4 stars). 6 submissions from 6 submitters: Pathogenic (1); Likely pathogenic (4). 1 of the submissions does not count toward it. Last evaluated 2025-12-17.

Conditions:
Congenital lactic acidosis, Saguenay-Lac-Saint-Jean type (MC4DN5). Also called: CYTOCHROME c OXIDASE DEFICIENCY, FRENCH CANADIAN TYPE; COX DEFICIENCY, FRENCH CANADIAN TYPE; MITOCHONDRIAL COMPLEX IV DEFICIENCY, NUCLEAR TYPE 5. Identifiers: Orphanet 70472, MedGen C1857355, MONDO:0009069, OMIM 220111.

Allele frequency attached by ClinVar (database versions not stated): gnomAD exomes below 0.00001 and 0.00001; ExAC 0.00001.
gnomAD v4.1: 5 of 1,613,738 alleles (0.00031%); highest among the groups gnomAD compares: Admixed American, 0.0017%; no homozygotes.

Submissions (6):

Natera, Inc.
Classification: Likely pathogenic for French-Canadian type Leigh syndrome. Last evaluated: 2025-12-17. Review status: criteria provided, single submitter. Criteria: Natera Variant Classification Schema (03/2026). Collection method: clinical testing. Allele origin: germline.
Comment: The c.1723C>T variant in LRPPRC is a nonsense variant predicted to introduce a stop codon at amino acid 575. This variant is expected to result in nonsense mediated decay, truncation, or a dysfunctional protein product. This variant is rare in the general population with a frequency below the threshold expected for the associated phenotype(s). Given the available evidence, this variant is classified as Likely Pathogenic.

Fulgent Genetics
Classification: Likely pathogenic for Congenital lactic acidosis, Saguenay-Lac-Saint-Jean type. Last evaluated: 2024-04-13. Review status: criteria provided, single submitter. Criteria: ACMG Guidelines, 2015. Collection method: clinical testing. Allele origin: germline.

Baylor Genetics
Classification: Likely pathogenic for Congenital lactic acidosis, Saguenay-Lac-Saint-Jean type. Last evaluated: 2024-01-26. Review status: criteria provided, single submitter. Criteria: ACMG Guidelines, 2015. Collection method: clinical testing. Allele origin: unknown.

Labcorp Genetics (formerly Invitae), Labcorp
Classification: Pathogenic. Last evaluated: 2022-08-06. Review status: criteria provided, single submitter. Criteria: Invitae Variant Classification Sherloc (09022015). Collection method: clinical testing. Allele origin: germline.
Comment: This sequence change creates a premature translational stop signal (p.Arg575*) in the LRPPRC gene. It is expected to result in an absent or disrupted protein product. Loss-of-function variants in LRPPRC are known to be pathogenic (PMID: 26510951). This variant is present in population databases (rs774934005, gnomAD 0.003%). This variant has not been reported in the literature in individuals affected with LRPPRC-related conditions. ClinVar contains an entry for this variant (Variation ID: 554351). For these reasons, this variant has been classified as Pathogenic.

Juno Genomics, Hangzhou Juno Genomics, Inc
Classification: Likely pathogenic for Congenital lactic acidosis, Saguenay-Lac-Saint-Jean type. Review status: criteria provided, single submitter. Criteria: ACMG Guidelines, 2015. Collection method: clinical testing. Allele origin: germline.
Comment: Null variant in a gene where loss of function (LOF) is a known mechanism of disease.;Absent from controls (or at extremely low frequency if recessive) in Genome Aggregation Database.

Counsyl
Classification: Likely pathogenic for Congenital lactic acidosis, Saguenay-Lac-Saint-Jean type. Last evaluated: 2017-10-16. Review status: no assertion criteria provided. Collection method: clinical testing. Allele origin: unknown. Not counted in ClinVar's aggregate classification.

Literature cited by the submitters: PubMed 26510951 (cited by Labcorp Genetics (formerly Invitae), Labcorp).